The following is an entry in ClinVar:

ClinVar aggregate classification (germline): Uncertain significance (1 of 4 stars; one submission).

Conditions:
Hereditary cancer-predisposing syndrome. Also called: Neoplastic Syndromes, Hereditary; Tumor predisposition; Hereditary neoplastic syndrome; Hereditary Cancer Syndrome. Identifiers: Orphanet 140162, MedGen C0027672, MeSH D009386, MONDO:0015356.

Submission:

Ambry Genetics
Classification: Uncertain significance for Hereditary cancer-predisposing syndrome. Last evaluated: 2026-07-27. Review status: criteria provided, single submitter. Criteria: Ambry Variant Classification Scheme 2023. Collection method: clinical testing. Allele origin: germline.
Comment: The p.Q421K variant (also known as c.1261C>A), located in coding exon 6 of the RET gene, results from a C to A substitution at nucleotide position 1261. The glutamine at codon 421 is replaced by lysine, an amino acid with similar properties. This amino acid position is conserved. In addition, the in silico prediction for this alteration is inconclusive. Based on the available evidence, the clinical significance of this variant remains unclear.

NM_020975.6(RET):c.1261C>A (p.Gln421Lys)

Gene: RET (ret proto-oncogene; plus strand). Cytogenetic location: 10q11.21.
Variant type: single nucleotide variant.
Coding change: c.1261C>A on transcript NM_020975.6 (MANE Select); coding-DNA position 1261, C replaced by A.
Protein change: p.Gln421Lys; replaces glutamine 421 with lysine.
Molecular consequence: missense variant. On other transcripts: intron variant (18).
Genome position (GRCh38, 1-based): chr10:43,109,228, C>A. VCF-style: chr10-43109228-C-A. GRCh37 (hg19) VCF-style: chr10-43604676-C-A.
Other names: c.973C>A, p.Gln325Lys (NM_001406766.1, NM_001406767.1, NM_001406770.1); c.1132C>A, p.Gln378Lys (NM_001406768.1, NM_001406761.1, NM_001406762.1 and 1 more transcripts); c.823C>A, p.Gln275Lys (NM_001406771.1, NM_001406773.1); c.535C>A, p.Gln179Lys (NM_001406775.1, NM_001406776.1, NM_001406777.1 and 1 more transcripts); c.499C>A, p.Gln167Lys (NM_001355216.2); c.1261C>A, p.Gln421Lys (NM_001406743.1, NM_001406744.1, NM_001406759.1 and 4 more transcripts); c.271C>A, p.Gln91Lys (NM_001406784.1); c.868-1979C>A (NM_001406772.1, NM_001406769.1); and 5 more; short protein forms Q275K, Q167K, Q179K, Q421K, Q91K, Q325K, Q378K.
Identifiers: ClinVar variation 5028193 (VCV005028193.1).
Genomic context (GRCh38, chr10:43,109,228, plus strand): 5'-AGCCTGCACCTGCCCAGTACCTACTCCCTCTCCGTGAGCAGGAGGGCTCGCCGATTTGCC[C>A]AGGTGAGCCCATACCTATTGCCTGTCTGGGGAAGATTGAAAGGCCAAGGGACATGGGGGC-3'
Protein context (NP_066124.1, residues 411-431): SVSRRARRFA[Gln421Lys]IGKVCVENCQ